The following is an entry in ClinVar:

NM_000321.3(RB1):c.1686dup (p.Trp563fs)

Gene: RB1 (RB transcriptional corepressor 1; plus strand). Cytogenetic location: 13q14.2.
Variant type: Duplication.
Coding change: c.1686dup on transcript NM_000321.3 (MANE Select); coding-DNA position 1686, one base duplicated (A; older notation c.1686dupA).
Protein change: p.Trp563fs; shifts the reading frame from tryptophan 563.
Molecular consequence: frameshift variant.
Genome position (GRCh38, 1-based): chr13:48,381,434, A duplicated. VCF-style (leftmost placement, unchanged base first): chr13-48381433-C-CA. GRCh37 (hg19) VCF-style: chr13-48955569-C-CA.
Other names: c.1686dupA (NM_000321.2); short protein forms W563fs.
Identifiers: ClinVar variation 657941 (VCV000657941.6), dbSNP rs1593457156, ClinGen allele CA915948556.
Genomic context (GRCh38, chr13:48,381,433, plus strand): 5'-TGACAAGAGAAATGATAAAACATTTAGAACGATGTGAACATCGAATCATGGAATCCCTTG[C>CA]ATGGCTCTCAGTAAGTAGCTAAATAATTGAAGAAATTCATTCATGTGCATATGGCTAACA-3'

ClinVar aggregate classification (germline): Pathogenic (1 of 4 stars; one submission).

Conditions:
Retinoblastoma (RB1). Also called: RETINOBLASTOMA, SOMATIC. Identifiers: Orphanet 790, MedGen C0035335, MeSH D012175, MONDO:0008380, OMIM 180200, HP:0009919. Disease mechanism: loss of function. Inheritance: Both sporadic and heritable forms are tested..

Submission:

Labcorp Genetics (formerly Invitae), Labcorp
Classification: Pathogenic for Retinoblastoma. Last evaluated: 2018-07-28. Review status: criteria provided, single submitter. Criteria: Invitae Variant Classification Sherloc (09022015). Collection method: clinical testing. Allele origin: germline.
Comment: This variant has not been reported in the literature in individuals with RB1-related disease. For these reasons, this variant has been classified as Pathogenic. Loss-of-function variants in RB1 are known to be pathogenic (PMID: 17096365). This variant is not present in population databases (ExAC no frequency). This sequence change creates a premature translational stop signal (p.Trp563Metfs*9) in the RB1 gene. It is expected to result in an absent or disrupted protein product.

Literature cited by the submitters: PubMed 17096365.